The following is an entry in ClinVar:

NM_001035.3(RYR2):c.4022_4023del (p.Asp1340_Ser1341insTer)

Genes: RYR2 (ryanodine receptor 2; plus strand), LOC126806067 (BRD4-independent group 4 enhancer GRCh37_chr1:237753258-237754457; plus strand). Cytogenetic location: 1q43.
Variant type: Deletion.
Coding change: c.4022_4023del on transcript NM_001035.3 (MANE Select); coding-DNA positions 4022 to 4023, 2 bases deleted (CT; older notation c.4022_4023delCT).
Protein change: p.Asp1340_Ser1341insTer.
Molecular consequence: nonsense.
Genome position (GRCh38, 1-based): chr1:237,590,854-237,590,855, CT deleted; deleting any 2 consecutive bases within chr1:237,590,853-237,590,855 gives the same sequence; the c. name uses the placement nearest the transcript's 3' end. VCF-style (leftmost placement, unchanged base first): chr1-237590852-TTC-T. GRCh37 (hg19) VCF-style: chr1-237754152-TTC-T.
Identifiers: ClinVar variation 2036689 (VCV002036689.4), dbSNP rs1465311041, ClinGen allele CA733322783.

ClinVar aggregate classification (germline): Uncertain significance (1 of 4 stars; one submission).

Conditions:
Catecholaminergic polymorphic ventricular tachycardia 1. Also called: RYR2-Related Catecholaminergic Polymorphic Ventricular Tachycardia; VENTRICULAR TACHYCARDIA, STRESS-INDUCED POLYMORPHIC 1; VENTRICULAR TACHYCARDIA, CATECHOLAMINERGIC POLYMORPHIC, 1, WITH OR WITHOUT ATRIAL DYSFUNCTION AND/OR DILATED CARDIOMYOPATHY. Identifiers: Orphanet 3286, MedGen C1631597, MONDO:0011484, OMIM 604772.

Submission:

Labcorp Genetics (formerly Invitae), Labcorp
Classification: Uncertain significance for Catecholaminergic polymorphic ventricular tachycardia 1. Last evaluated: 2022-10-23. Review status: criteria provided, single submitter. Criteria: Invitae Variant Classification Sherloc (09022015). Collection method: clinical testing. Allele origin: germline.
Comment: This variant has not been reported in the literature in individuals affected with RYR2-related conditions. This variant is not present in population databases (gnomAD no frequency). This sequence change creates a premature translational stop signal (p.Ser1341*) in the RYR2 gene. It is expected to result in an absent or disrupted protein product. However, the current clinical and genetic evidence is not sufficient to establish whether loss-of-function variants in RYR2 cause disease. In summary, the available evidence is currently insufficient to determine the role of this variant in disease. Therefore, it has been classified as a Variant of Uncertain Significance.